The following is an entry in ClinVar:

NM_020762.4(SRGAP1):c.2562A>G (p.Pro854=)

Gene: SRGAP1 (SLIT-ROBO Rho GTPase activating protein 1; plus strand). Cytogenetic location: 12q14.2.
Variant type: single nucleotide variant.
Coding change: c.2562A>G on transcript NM_020762.4 (MANE Select); coding-DNA position 2562, A replaced by G.
Protein change: p.Pro854=; no amino-acid change (proline 854 retained).
Molecular consequence: synonymous variant.
Genome position (GRCh38, 1-based): chr12:64,127,882, A>G. VCF-style: chr12-64127882-A-G. GRCh37 (hg19) VCF-style: chr12-64521662-A-G.
Other names: c.2493A>G, p.Pro831= (NM_001346201.2).
Identifiers: ClinVar variation 2643160 (VCV002643160.24), dbSNP rs1485207551, ClinGen allele CA480735713.

ClinVar aggregate classification (germline): Likely benign (1 of 4 stars; one submission).

Allele frequency attached by ClinVar (database versions not stated): gnomAD exomes below 0.00001; TOPMed below 0.00001.
gnomAD v4.1: 2 of 1,611,806 alleles (0.00012%); highest among the groups gnomAD compares: Non-Finnish European, 0.00017%; no homozygotes.

Submission:

CeGaT Center for Human Genetics Tuebingen
Classification: Likely benign. Last evaluated: 2022-06-01. Review status: criteria provided, single submitter. Criteria: CeGaT Center For Human Genetics Tuebingen Variant Classification Criteria Version 2. Collection method: clinical testing. Allele origin: germline. Affected: yes. Observed: 1 variant allele.
Comment: SRGAP1: BP4, BP7